The following is an entry in ClinVar:

NM_025137.4(SPG11):c.877C>T (p.Pro293Ser)

Gene: SPG11 (SPG11 vesicle trafficking associated, spatacsin; minus strand). Cytogenetic location: 15q21.1.
Variant type: single nucleotide variant.
Coding change: c.877C>T on transcript NM_025137.4 (MANE Select); coding-DNA position 877, C replaced by T.
Protein change: p.Pro293Ser; replaces proline 293 with serine.
Molecular consequence: missense variant.
Genome position (GRCh38, 1-based): chr15:44,652,259, G>A on the plus strand (C>T on the coding strand, the complement: SPG11 is on the minus strand). VCF-style: chr15-44652259-G-A. GRCh37 (hg19) VCF-style: chr15-44944457-G-A.
Other names: c.877C>T, p.Pro293Ser (NM_001160227.2); short protein forms P293S.
Identifiers: ClinVar variation 1364227 (VCV001364227.7), dbSNP rs919363085, ClinGen allele CA270103118.

ClinVar aggregate classification (germline): Uncertain significance (1 of 4 stars; one submission).

Conditions:
Hereditary spastic paraplegia 11. Also called: SPASTIC PARAPLEGIA, AUTOSOMAL RECESSIVE, COMPLICATED, WITH THIN CORPUS CALLOSUM; SPASTIC PARAPLEGIA, AUTOSOMAL RECESSIVE, WITH MENTAL IMPAIRMENT AND THIN CORPUS CALLOSUM; Spastic Paraplegia 11; Nakamura Osame syndrome; Autosomal recessive hereditary spastic paraplegia, mental impairment, and thin corpus callosum; Spastic paraplegia, mental retardation and thin corpus callosum. Identifiers: Orphanet 2822, MedGen C1858479, MONDO:0011445, OMIM 604360.

Allele frequency attached by ClinVar (database versions not stated): gnomAD exomes below 0.00001.
gnomAD v4.1: 1 of 1,613,872 alleles (0.000062%); highest among the groups gnomAD compares: Admixed American, 0.0017%; no homozygotes.

Submission:

Labcorp Genetics (formerly Invitae), Labcorp
Classification: Uncertain significance for Hereditary spastic paraplegia 11. Last evaluated: 2021-04-28. Review status: criteria provided, single submitter. Criteria: Invitae Variant Classification Sherloc (09022015). Collection method: clinical testing. Allele origin: germline.
Comment: This sequence change replaces proline with serine at codon 293 of the SPG11 protein (p.Pro293Ser). The proline residue is moderately conserved and there is a moderate physicochemical difference between proline and serine. This variant is not present in population databases (ExAC no frequency). This variant has not been reported in the literature in individuals with SPG11-related conditions. Algorithms developed to predict the effect of missense changes on protein structure and function are either unavailable or do not agree on the potential impact of this missense change (SIFT: "Deleterious"; PolyPhen-2: "Probably Damaging"; Align-GVGD: "Class C0"). In summary, the available evidence is currently insufficient to determine the role of this variant in disease. Therefore, it has been classified as a Variant of Uncertain Significance.